The following is an entry in ClinVar:

NM_002691.4(POLD1):c.2155-112A>G

Gene: POLD1 (DNA polymerase delta 1, catalytic subunit; plus strand). Cytogenetic location: 19q13.33.
Variant type: single nucleotide variant.
Coding change: c.2155-112A>G on transcript NM_002691.4 (MANE Select); 112 bases into the intron before coding-DNA position 2155, A replaced by G.
Molecular consequence: intron variant.
Genome position (GRCh38, 1-based): chr19:50,413,314, A>G. VCF-style: chr19-50413314-A-G. GRCh37 (hg19) VCF-style: chr19-50916571-A-G.
Other names: c.2155-112A>G (NM_001256849.1); c.2233-112A>G (NM_001308632.1).
Identifiers: ClinVar variation 676550 (VCV000676550.2), dbSNP rs1274606, ClinGen allele CA309604248.

ClinVar aggregate classification (germline): Benign. Review status: criteria provided, multiple submitters, no conflicts (2 of 4 stars). 2 submissions from 2 submitters: Benign (2). Last evaluated 2018-06-12.

Allele frequency attached by ClinVar (database versions not stated): gnomAD 0.10063 and 0.10634; TOPMed 0.11322; 1000 Genomes Project 0.11861; 1000 Genomes Project 30x 0.12242.
gnomAD v4.1: 26,334 of 841,322 alleles (3.1%); highest among the groups gnomAD compares: African/African-American, 33%; 3,667 homozygotes.

Submissions (2):

GeneDx
Classification: Benign. Last evaluated: 2018-06-12. Review status: criteria provided, single submitter. Criteria: GeneDx Variant Classification (06012015). Collection method: clinical testing. Allele origin: germline. Affected: yes.
Comment: This variant is considered likely benign or benign based on one or more of the following criteria: it is a conservative change, it occurs at a poorly conserved position in the protein, it is predicted to be benign by multiple in silico algorithms, and/or has population frequency not consistent with disease.

Breakthrough Genomics
Classification: Benign. Review status: criteria provided, single submitter. Criteria: ACMG Guidelines, 2015. Collection method: not provided. Allele origin: germline. Inheritance: Autosomal dominant inheritance. Affected: yes.